The following is an entry in ClinVar:

ClinVar aggregate classification (germline): Likely benign (1 of 4 stars; one submission).

Conditions:
RP1L1-related disorder. Also called: RP1L1-related condition.

gnomAD v4.1: 23 of 1,613,540 alleles (0.0014%); highest among the groups gnomAD compares: Admixed American, 0.005%; no homozygotes.

Submission:

PreventionGenetics, part of Exact Sciences
Classification: Likely benign for RP1L1-related condition. Last evaluated: 2025-08-17. Review status: criteria provided, single submitter. Criteria: ACMG Guidelines, 2015. Collection method: clinical testing. Allele origin: germline.
Comment: This variant is classified as likely benign based on ACMG/AMP sequence variant interpretation guidelines (Richards et al. 2015 PMID: 25741868, with internal and published modifications).

NM_178857.6(RP1L1):c.2280C>T (p.Ala760=)

Gene: RP1L1 (RP1 like 1). Cytogenetic location: 8p23.1.
Variant type: single nucleotide variant.
Coding change: c.2280C>T on transcript NM_178857.6 (MANE Select); coding-DNA position 2280, C replaced by T.
Protein change: p.Ala760=; no amino-acid change (alanine 760 retained).
Molecular consequence: synonymous variant.
Genome position (GRCh38, 1-based): chr8:10,611,818, G>A on the plus strand (C>T on the coding strand, the complement: RP1L1 is on the minus strand). VCF-style: chr8-10611818-G-A. GRCh37 (hg19) VCF-style: chr8-10469328-G-A.
Identifiers: ClinVar variation 4990890 (VCV004990890.1).